The following is an entry in ClinVar:

NM_032638.5(GATA2):c.614G>C (p.Gly205Ala)

Gene: GATA2 (GATA binding protein 2; minus strand). Cytogenetic location: 3q21.3.
Variant type: single nucleotide variant.
Coding change: c.614G>C on transcript NM_032638.5 (MANE Select); coding-DNA position 614, G replaced by C.
Protein change: p.Gly205Ala; replaces glycine 205 with alanine.
Molecular consequence: missense variant.
Genome position (GRCh38, 1-based): chr3:128,485,984, C>G on the plus strand (G>C on the coding strand, the complement: GATA2 is on the minus strand). VCF-style: chr3-128485984-C-G. GRCh37 (hg19) VCF-style: chr3-128204827-C-G.
Other names: c.614G>C, p.Gly205Ala (NM_001145661.2, NM_001145662.1); short protein forms G205A.
Identifiers: ClinVar variation 5022203 (VCV005022203.1).
Genomic context (GRCh38, chr3:128,485,984, plus strand): 5'-CTTTCCATCTTCATGCTCTCCGTCAGTGACACCTGGTACTTGACGCCGTCCTTGTCCTCT[C>G]CTCGGGCTGCACTACCCCCCGCGGAAGATGAGGCTGGAGACGCAGCCCCCGTGGTGCTAG-3'
Protein context (NP_116027.2, residues 195-215): SSSAGGSAAR[Gly205Ala]EDKDGVKYQV

ClinVar aggregate classification (germline): Uncertain significance (1 of 4 stars; one submission).

Conditions:
Inborn genetic diseases. Identifiers: MedGen C0950123, MeSH D030342.

Submission:

Ambry Genetics
Classification: Uncertain significance for Inborn genetic diseases. Last evaluated: 2026-07-06. Review status: criteria provided, single submitter. Criteria: Ambry Variant Classification Scheme 2023. Collection method: clinical testing. Allele origin: germline.
Comment: The p.G205A variant (also known as c.614G>C), located in coding exon 2 of the GATA2 gene, results from a G to C substitution at nucleotide position 614. The glycine at codon 205 is replaced by alanine, an amino acid with similar properties. This amino acid position is conserved. In addition, this alteration is predicted to be tolerated by in silico analysis. Based on the available evidence, the clinical significance of this variant remains unclear.